The following is an entry in ClinVar:

NM_000152.5(GAA):c.2405G>T (p.Gly802Val)

Gene: GAA (alpha glucosidase; plus strand). Cytogenetic location: 17q25.3.
Variant type: single nucleotide variant.
Coding change: c.2405G>T on transcript NM_000152.5 (MANE Select); coding-DNA position 2405, G replaced by T.
Protein change: p.Gly802Val; replaces glycine 802 with valine.
Molecular consequence: missense variant.
Genome position (GRCh38, 1-based): chr17:80,117,673, G>T. VCF-style: chr17-80117673-G-T. GRCh37 (hg19) VCF-style: chr17-78091472-G-T.
Other names: c.2405G>T, p.Gly802Val (NM_001079803.3, NM_001079804.3, NM_001406741.1 and 1 more transcripts); short protein forms G802V.
Identifiers: ClinVar variation 4876534 (VCV004876534.1).

ClinVar aggregate classification (germline): Uncertain significance (1 of 4 stars; one submission).

Conditions:
Glycogen storage disease, type II (IOPD). Also called: Pompe Disease; CARDIOMEGALIA GLYCOGENICA DIFFUSA; GLYCOGENOSIS, GENERALIZED, CARDIAC FORM; GSD II; POMPE DISEASE, INFANTILE-ONSET; GLYCOGEN STORAGE DISEASE II, INFANTILE-ONSET. Identifiers: Orphanet 365, MedGen C0017921, MONDO:0009290, OMIM 232300.

Submission:

Genomenon, Inc
Classification: Uncertain significance for Glycogen storage disease, type II. Last evaluated: 2026-07-01. Review status: criteria provided, single submitter. Criteria: Genomenon Sequence Variant Interpretation Standards - Updated. Collection method: curation. Allele origin: germline. Affected: yes.
Comment: GAA p.Gly802Val (c.2405G>T) is a missense variant that changes the amino acid at codon 802 from Glycine to Valine. This variant has been observed in at least one proband with a GAA-related disorder (PMID:38162137). It is absent or not present at a significant frequency in gnomAD. In silico models predict that this variant is possibly or probably damaging. In conclusion, we classify GAA p.Gly802Val (c.2405G>T) as a variant of uncertain significance.

Literature cited by the submitters: PubMed 38162137.